The following is an entry in ClinVar:

NM_006922.4(SCN3A):c.1173+6G>A

Gene: SCN3A (sodium voltage-gated channel alpha subunit 3; minus strand). Cytogenetic location: 2q24.3.
Variant type: single nucleotide variant.
Coding change: c.1173+6G>A on transcript NM_006922.4 (MANE Select); 6 bases into the intron after coding-DNA position 1173, G replaced by A.
Molecular consequence: intron variant.
Genome position (GRCh38, 1-based): chr2:165,155,756, C>T on the plus strand (G>A on the coding strand, the complement: SCN3A is on the minus strand). VCF-style: chr2-165155756-C-T. GRCh37 (hg19) VCF-style: chr2-166012266-C-T.
Other names: c.1173+6G>A (NM_001081676.2, NM_001081677.2).
Identifiers: ClinVar variation 999468 (VCV000999468.8), dbSNP rs1688983847, ClinGen allele CA1038781435.

ClinVar aggregate classification (germline): Uncertain significance (1 of 4 stars; one submission).

Allele frequency attached by ClinVar (database versions not stated): gnomAD exomes below 0.00001; gnomAD 0.00004.
gnomAD v4.1: 9 of 1,613,870 alleles (0.00056%); highest among the groups gnomAD compares: Admixed American, 0.01%; no homozygotes.

Submission:

Labcorp Genetics (formerly Invitae), Labcorp
Classification: Uncertain significance. Last evaluated: 2026-01-01. Review status: criteria provided, single submitter. Criteria: Invitae Variant Classification Sherloc (09022015). Collection method: clinical testing. Allele origin: germline.
Comment: This sequence change falls in intron 10 of the SCN3A gene. It does not directly change the encoded amino acid sequence of the SCN3A protein. It affects a nucleotide within the consensus splice site. This variant is not present in population databases (gnomAD no frequency). This variant has not been reported in the literature in individuals affected with SCN3A-related conditions. ClinVar contains an entry for this variant (Variation ID: 999468). Variants that disrupt the consensus splice site are a relatively common cause of aberrant splicing (PMID: 17576681, 9536098). Algorithms developed to predict the effect of sequence changes on RNA splicing suggest that this variant is not likely to affect RNA splicing. In summary, the available evidence is currently insufficient to determine the role of this variant in disease. Therefore, it has been classified as a Variant of Uncertain Significance.

Literature cited by the submitters: PubMed 17576681; PubMed 9536098.